The following is an entry in ClinVar:

ClinVar aggregate classification (germline): Benign/Likely benign. Review status: criteria provided, multiple submitters, no conflicts (2 of 4 stars). 10 submissions from 10 submitters: Benign (6); Likely benign (1). 3 of the submissions do not count toward it. Last evaluated 2026-02-04.

Conditions:
Retinal dystrophy. Also called: Inherited retinal dystrophy. Identifiers: Orphanet 71862, MedGen C0854723, MeSH D058499, MONDO:0019118, HP:0000556.
Retinitis pigmentosa (RP). Identifiers: Orphanet 791, MedGen C0035334, MeSH D012174, MONDO:0019200, OMIM 268000. Inheritance: Autosomal dominant, autosomal recessive and X linked inheritance.
Retinitis pigmentosa 25 (RP25). Identifiers: Orphanet 791, MedGen C1864446, MONDO:0011272, OMIM 602772.

Allele frequency attached by ClinVar (database versions not stated): gnomAD exomes 0.11869; 1000 Genomes Project 0.09385; TOPMed 0.10461; 1000 Genomes Project 30x 0.09244; gnomAD 0.09853 and 0.10092; ExAC 0.10345; ESP Exome Variant Server 0.10846.
gnomAD v4.1: 200,432 of 1,550,880 alleles (13%); highest among the groups gnomAD compares: East Asian, 15%; 13,838 homozygotes.

Submissions (10):

Labcorp Genetics (formerly Invitae), Labcorp
Classification: Benign. Last evaluated: 2026-02-04. Review status: criteria provided, single submitter. Criteria: Invitae Variant Classification Sherloc (09022015). Collection method: clinical testing. Allele origin: germline.

Women's Health and Genetics/Laboratory Corporation of America, LabCorp
Classification: Likely benign. Last evaluated: 2025-11-24. Review status: criteria provided, single submitter. Criteria: LabCorp Variant Classification Summary - May 2015. Collection method: clinical testing. Allele origin: germline.

Dept Of Ophthalmology, Nagoya University
Classification: Benign for Retinal dystrophy. Last evaluated: 2023-10-01. Review status: criteria provided, single submitter. Criteria: Submitter's publication. Collection method: research. Allele origin: germline. Affected: yes.

Genome-Nilou Lab
Classification: Benign for Retinitis pigmentosa 25. Last evaluated: 2021-07-01. Review status: criteria provided, single submitter. Criteria: ACMG Guidelines, 2015. Collection method: clinical testing. Allele origin: germline. Affected: no.

Illumina Laboratory Services, Illumina
Classification: Benign for Retinitis pigmentosa. Last evaluated: 2018-01-12. Review status: criteria provided, single submitter. Criteria: ICSL Variant Classification Criteria 13 December 2019. Collection method: clinical testing. Allele origin: germline.
Comment: This variant was observed in the ICSL laboratory as part of a predisposition screen in an ostensibly healthy population. It had not been previously curated by ICSL or reported in the Human Gene Mutation Database (HGMD: prior to June 1st, 2018), and was therefore a candidate for classification through an automated scoring system. Utilizing variant allele frequency, disease prevalence and penetrance estimates, and inheritance mode, an automated score was calculated to assess if this variant is too frequent to cause the disease. Based on the score and internal cut-off values, a variant classified as benign is not then subjected to further curation. The score for this variant resulted in a classification of benign for this disease.

Eurofins Ntd Llc (ga)
Classification: Benign. Last evaluated: 2013-09-19. Review status: criteria provided, single submitter. Criteria: EGL Classification Definitions 2015. Collection method: clinical testing. Allele origin: germline. Observed: 2 variant alleles, 2 heterozygotes.

GeneDx
Classification: Benign. Last evaluated: 2011-08-11. Review status: criteria provided, single submitter. Criteria: GeneDx Variant Classification (06012015). Collection method: clinical testing. Allele origin: germline. Affected: yes.
Comment: This variant is considered likely benign or benign based on one or more of the following criteria: it is a conservative change, it occurs at a poorly conserved position in the protein, it is predicted to be benign by multiple in silico algorithms, and/or has population frequency not consistent with disease.

Natera, Inc.
Classification: Benign for Retinitis pigmentosa. Last evaluated: 2020-09-16. Review status: no assertion criteria provided. Collection method: clinical testing. Allele origin: germline. Not counted in ClinVar's aggregate classification.

Clinical Genetics DNA and cytogenetics Diagnostics Lab, Erasmus MC, Erasmus Medical Center
Classification: Likely benign. Review status: no assertion criteria provided. Collection method: clinical testing. Allele origin: germline. Affected: yes. Study: VKGL Data-share Consensus. Not counted in ClinVar's aggregate classification.

Joint Genome Diagnostic Labs from Nijmegen and Maastricht, Radboudumc and MUMC+
Classification: Benign. Review status: no assertion criteria provided. Collection method: clinical testing. Allele origin: germline. Affected: yes. Study: VKGL Data-share Consensus. Not counted in ClinVar's aggregate classification.

NM_001142800.2(EYS):c.4081A>G (p.Ile1361Val)

Gene: EYS (EGF-like photoreceptor maintenance factor; minus strand). Cytogenetic location: 6q12.
Variant type: single nucleotide variant.
Coding change: c.4081A>G on transcript NM_001142800.2 (MANE Select); coding-DNA position 4081, A replaced by G.
Protein change: p.Ile1361Val; replaces isoleucine 1361 with valine.
Molecular consequence: missense variant.
Genome position (GRCh38, 1-based): chr6:64,591,786, T>C on the plus strand (A>G on the coding strand, the complement: EYS is on the minus strand). VCF-style: chr6-64591786-T-C. GRCh37 (hg19) VCF-style: chr6-65301679-T-C.
Other names: p.I1361V:ATT>GTT; c.4081A>G (FM209056.1); c.4081A>G, p.Ile1361Val (NM_001292009.2); short protein forms I1361V.
Identifiers: ClinVar variation 93610 (VCV000093610.26), dbSNP rs17403955, ClinGen allele CA147138.
Genomic context (GRCh38, chr6:64,591,786, plus strand): 5'-CTAGTGTGGCTGCTGAAGTTCGAATAGGCATATGTGATACCGATGTTTTGTCCTGGACAA[T>C]TTGTGCTGGGTCACGAATACCAAAATTCAGGAATCGAGAAGAGGAAACATCTGCGGAAGA-3'
Protein context (NP_001136272.1, residues 1351-1371): LNFGIRDPAQ[Ile1361Val]VQDKTSVSHM